The following is an entry in ClinVar:

NM_000257.4(MYH7):c.202-9del

Gene: MYH7 (myosin heavy chain 7; minus strand). Cytogenetic location: 14q11.2.
Variant type: Deletion.
Coding change: c.202-9del on transcript NM_000257.4 (MANE Select); 9 bases into the intron before coding-DNA position 202, one base deleted (C; older notation c.202-9delC).
Molecular consequence: intron variant.
Genome position (GRCh38, 1-based): chr14:23,433,236, G deleted on the plus strand (C on the coding strand, the reverse complement: MYH7 is on the minus strand). VCF-style (leftmost placement, unchanged base first): chr14-23433235-AG-A. GRCh37 (hg19) VCF-style: chr14-23902444-AG-A.
Identifiers: ClinVar variation 923277 (VCV000923277.3), dbSNP rs1893020561, ClinGen allele CA913188625.
Genomic context (GRCh38, chr14:23,433,235, plus strand): 5'-TCGAACTTGGGTGGGTTCTGCTGCATCACCTGGTCCTCCTTCACGGTCACTGTCTGCAAG[AG>A]CCCCCACCCAAGCCCTCCTGTCAGCCTGGGCTTTCCCTCCTTCCTCAAGAGGGTTAGGAG-3'

ClinVar aggregate classification (germline): Likely benign. Review status: criteria provided, multiple submitters, no conflicts (2 of 4 stars). 2 submissions from 2 submitters: Likely benign (2). Last evaluated 2023-04-10.

Conditions:
Cardiomyopathy (CMYO). Also called: Cardiomyopathies. Identifiers: Orphanet 167848, MedGen C0878544, MONDO:0004994, HP:0001638. Inheritance: Various modes of inheritance.

Submissions (2):

All of Us Research Program, National Institutes of Health
Classification: Likely benign for Cardiomyopathy. Last evaluated: 2023-04-10. Review status: criteria provided, single submitter. Criteria: ACMG Guidelines, 2015. Collection method: clinical testing. Allele origin: germline. Inheritance: Autosomal dominant inheritance. Observed: 1 variant allele, 1 heterozygote.
Comment: This study involves interpretation of variants in research participants for the purpose of population health screening. Participant phenotype was not available at the time of variant classification. Additional details can be found in publication PMID: 35346344, PMCID: PMC8962531

Color Diagnostics, LLC DBA Color Health
Classification: Likely benign for Cardiomyopathy. Last evaluated: 2019-01-27. Review status: criteria provided, single submitter. Criteria: ACMG Guidelines, 2015. Collection method: clinical testing. Allele origin: germline.